The following is an entry in ClinVar:

ClinVar aggregate classification (germline): Uncertain significance (1 of 4 stars; one submission).

Conditions:
Parathyroid carcinoma (PRTC). Also called: Parathyroid gland carcinoma; CDC73-Related Parathyroid Carcinoma. Identifiers: Orphanet 143, MedGen C0687150, MONDO:0012004, OMIM 608266, HP:0006780.

Submission:

Labcorp Genetics (formerly Invitae), Labcorp
Classification: Uncertain significance for Parathyroid carcinoma. Last evaluated: 2024-10-19. Review status: criteria provided, single submitter. Criteria: Invitae Variant Classification Sherloc (09022015). Collection method: clinical testing. Allele origin: germline.
Comment: This sequence change replaces glutamic acid, which is acidic and polar, with lysine, which is basic and polar, at codon 228 of the CDC73 protein (p.Glu228Lys). This variant is not present in population databases (gnomAD no frequency). This variant has not been reported in the literature in individuals affected with CDC73-related conditions. Invitae Evidence Modeling of protein sequence and biophysical properties (such as structural, functional, and spatial information, amino acid conservation, physicochemical variation, residue mobility, and thermodynamic stability) indicates that this missense variant is expected to disrupt CDC73 protein function with a positive predictive value of 80%. In summary, the available evidence is currently insufficient to determine the role of this variant in disease. Therefore, it has been classified as a Variant of Uncertain Significance.

NM_024529.5(CDC73):c.682G>A (p.Glu228Lys)

Gene: CDC73 (cell division cycle 73; plus strand). Cytogenetic location: 1q31.2.
Variant type: single nucleotide variant.
Coding change: c.682G>A on transcript NM_024529.5 (MANE Select); coding-DNA position 682, G replaced by A.
Protein change: p.Glu228Lys; replaces glutamic acid 228 with lysine.
Molecular consequence: missense variant.
Genome position (GRCh38, 1-based): chr1:193,142,019, G>A. VCF-style: chr1-193142019-G-A. GRCh37 (hg19) VCF-style: chr1-193111149-G-A.
Other names: short protein forms E228K.
Identifiers: ClinVar variation 3719878 (VCV003719878.2).